The following is an entry in ClinVar:

NM_015072.5(TTLL5):c.983C>T (p.Ala328Val)

Gene: TTLL5 (tubulin tyrosine ligase like 5; plus strand). Cytogenetic location: 14q24.3.
Variant type: single nucleotide variant.
Coding change: c.983C>T on transcript NM_015072.5 (MANE Select); coding-DNA position 983, C replaced by T.
Protein change: p.Ala328Val; replaces alanine 328 with valine.
Molecular consequence: missense variant.
Genome position (GRCh38, 1-based): chr14:75,720,644, C>T. VCF-style: chr14-75720644-C-T. GRCh37 (hg19) VCF-style: chr14-76186987-C-T.
Other names: short protein forms A328V.
Identifiers: ClinVar variation 854502 (VCV000854502.8), dbSNP rs138264261, ClinGen allele CA7279181.
Genomic context (GRCh38, chr14:75,720,644, plus strand): 5'-TTTTGTTTGCAGCATTGATGGCCCATGTAGAAGACCTGATCATTAAGACTATAATCTCTG[C>T]TGAACTAGCTATTGCTACTGCCTGTAAAACCTTTGTTCCTCATCGCAGCAGTTGTTTTGG-3'
Protein context (NP_055887.3, residues 318-338): EDLIIKTIIS[Ala328Val]ELAIATACKT

ClinVar aggregate classification (germline): Uncertain significance. Review status: criteria provided, multiple submitters, no conflicts (2 of 4 stars). 3 submissions from 3 submitters: Uncertain significance (3). Last evaluated 2024-11-11.

Conditions:
Inborn genetic diseases. Identifiers: MedGen C0950123, MeSH D030342.

Allele frequency attached by ClinVar (database versions not stated): ExAC 0.00003; gnomAD exomes 0.00003 and 0.00011; gnomAD 0.00006 and 0.00007; TOPMed 0.00007; ESP Exome Variant Server 0.00015.
gnomAD v4.1: 177 of 1,613,576 alleles (0.011%); highest among the groups gnomAD compares: Non-Finnish European, 0.014%; 1 homozygote.

Submissions (3):

Ambry Genetics
Classification: Uncertain significance for Inborn genetic diseases. Last evaluated: 2024-11-11. Review status: criteria provided, single submitter. Criteria: Ambry Variant Classification Scheme 2023. Collection method: clinical testing. Allele origin: germline.

Blueprint Genetics
Classification: Uncertain significance. Last evaluated: 2024-08-08. Review status: criteria provided, single submitter. Criteria: ACMG Guidelines, 2015. Collection method: clinical testing. Allele origin: germline.

Labcorp Genetics (formerly Invitae), Labcorp
Classification: Uncertain significance. Last evaluated: 2024-08-05. Review status: criteria provided, single submitter. Criteria: Invitae Variant Classification Sherloc (09022015). Collection method: clinical testing. Allele origin: germline.
Comment: This sequence change replaces alanine, which is neutral and non-polar, with valine, which is neutral and non-polar, at codon 328 of the TTLL5 protein (p.Ala328Val). This variant is present in population databases (rs138264261, gnomAD 0.008%). This variant has not been reported in the literature in individuals affected with TTLL5-related conditions. ClinVar contains an entry for this variant (Variation ID: 854502). Advanced modeling of protein sequence and biophysical properties (such as structural, functional, and spatial information, amino acid conservation, physicochemical variation, residue mobility, and thermodynamic stability) performed at Invitae indicates that this missense variant is not expected to disrupt TTLL5 protein function with a negative predictive value of 80%. In summary, the available evidence is currently insufficient to determine the role of this variant in disease. Therefore, it has been classified as a Variant of Uncertain Significance.